The following is an entry in ClinVar:

ClinVar aggregate classification (germline): Uncertain significance (1 of 4 stars; one submission).

Conditions:
Ehlers-Danlos syndrome, classic type, 2 (EDSCL2). Also called: Ehlers-Danlos syndrome, type 2; Ehlers-Danlos syndrome type 2 (formerly); Ehlers-Danlos Syndrome, Classic Type, COL5A2-Related. Identifiers: Orphanet 287, Orphanet 90318, MedGen C0268336, MONDO:0019568, OMIM 130010.

Submission:

Centre for Mendelian Genomics, University Medical Centre Ljubljana
Classification: Uncertain significance for Ehlers-Danlos syndrome, classic type, 2. Last evaluated: 2019-01-09. Review status: criteria provided, single submitter. Criteria: ACMG Guidelines, 2015. Collection method: clinical testing. Allele origin: unknown. Affected: yes.
Comment: This variant was classified as: Uncertain significance. The available evidence on this variant's pathogenicity is insufficient or conflicting. The following ACMG criteria were applied in classifying this variant: PM2.

NM_000393.5(COL5A2):c.4057A>G (p.Lys1353Glu)

Gene: COL5A2 (collagen type V alpha 2 chain; minus strand). Cytogenetic location: 2q32.2.
Variant type: single nucleotide variant.
Coding change: c.4057A>G on transcript NM_000393.5 (MANE Select); coding-DNA position 4057, A replaced by G.
Protein change: p.Lys1353Glu; replaces lysine 1353 with glutamic acid.
Molecular consequence: missense variant.
Genome position (GRCh38, 1-based): chr2:189,036,672, T>C on the plus strand (A>G on the coding strand, the complement: COL5A2 is on the minus strand). VCF-style: chr2-189036672-T-C. GRCh37 (hg19) VCF-style: chr2-189901398-T-C.
Other names: short protein forms K1353E.
Identifiers: ClinVar variation 931920 (VCV000931920.3), dbSNP rs1685449943, ClinGen allele CA349855587.